The following is an entry in ClinVar:

ClinVar aggregate classification (germline): Uncertain significance. Review status: criteria provided, multiple submitters, no conflicts (2 of 4 stars). 3 submissions from 3 submitters: Uncertain significance (3). Last evaluated 2026-03-25.

Conditions:
Familial thoracic aortic aneurysm and aortic dissection (TAAD). Also called: Thoracic aortic aneurysms and dissections. Identifiers: Orphanet 91387, MedGen C4707243, MONDO:0019625.

Allele frequency attached by ClinVar (database versions not stated): gnomAD exomes below 0.00001; TOPMed below 0.00001.
gnomAD v4.1: 1 of 1,614,084 alleles (0.000062%); highest among the groups gnomAD compares: Non-Finnish European, 0.000085%; no homozygotes.

Submissions (3):

GeneDx
Classification: Uncertain significance. Last evaluated: 2026-03-25. Review status: criteria provided, single submitter. Criteria: GeneDx Variant Classification Process June 2021. Collection method: clinical testing. Allele origin: germline.
Comment: Not observed at significant frequency in large population cohorts (gnomAD); In silico analysis suggests that this missense variant does not alter protein structure/function; Has not been previously published as pathogenic or benign to our knowledge

Labcorp Genetics (formerly Invitae), Labcorp
Classification: Uncertain significance for Familial thoracic aortic aneurysm and aortic dissection. Last evaluated: 2024-03-16. Review status: criteria provided, single submitter. Criteria: Invitae Variant Classification Sherloc (09022015). Collection method: clinical testing. Allele origin: germline.
Comment: This sequence change replaces glycine, which is neutral and non-polar, with aspartic acid, which is acidic and polar, at codon 561 of the TGFBR2 protein (p.Gly561Asp). This variant is not present in population databases (gnomAD no frequency). This variant has not been reported in the literature in individuals affected with TGFBR2-related conditions. ClinVar contains an entry for this variant (Variation ID: 921925). Advanced modeling of protein sequence and biophysical properties (such as structural, functional, and spatial information, amino acid conservation, physicochemical variation, residue mobility, and thermodynamic stability) has been performed at Invitae for this missense variant, however the output from this modeling did not meet the statistical confidence thresholds required to predict the impact of this variant on TGFBR2 protein function. In summary, the available evidence is currently insufficient to determine the role of this variant in disease. Therefore, it has been classified as a Variant of Uncertain Significance.

Color Diagnostics, LLC DBA Color Health
Classification: Uncertain significance for Familial thoracic aortic aneurysm and aortic dissection. Last evaluated: 2023-12-04. Review status: criteria provided, single submitter. Criteria: ACMG Guidelines, 2015. Collection method: clinical testing. Allele origin: germline.
Comment: Variant of Uncertain Significance due to insufficient evidence: This missense variant replaces glycine with aspartic acid at codon 586 of the TGFBR2 protein. Computational prediction tools and conservation analyses are inconclusive regarding the impact of this variant on the protein function. Computational splicing tools suggest that this variant may not impact RNA splicing. To our knowledge, functional assays have not been performed for this variant nor has this variant been reported in individuals affected with cardiovascular disorders in the literature. This variant is rare in the general population and has been identified in 0/277264 chromosomes by the Genome Aggregation Database (gnomAD). Available evidence is insufficient to determine the role of this variant in disease conclusively.

NM_003242.6(TGFBR2):c.1682G>A (p.Gly561Asp)

Gene: TGFBR2 (transforming growth factor beta receptor 2; plus strand). Cytogenetic location: 3p24.1.
Variant type: single nucleotide variant.
Coding change: c.1682G>A on transcript NM_003242.6 (MANE Select); coding-DNA position 1682, G replaced by A.
Protein change: p.Gly561Asp; replaces glycine 561 with aspartic acid.
Molecular consequence: missense variant.
Genome position (GRCh38, 1-based): chr3:30,691,577, G>A. VCF-style: chr3-30691577-G-A. GRCh37 (hg19) VCF-style: chr3-30733069-G-A.
Other names: c.1757G>A, p.Gly586Asp (NM_001024847.3); c.1865G>A, p.Gly622Asp (NM_001407126.1); c.1790G>A, p.Gly597Asp (NM_001407127.1); c.1709G>A, p.Gly570Asp (NM_001407128.1); c.1685G>A, p.Gly562Asp (NM_001407129.1); c.1679G>A, p.Gly560Asp (NM_001407130.1); c.1577G>A, p.Gly526Asp (NM_001407132.1, NM_001407133.1, NM_001407134.1 and 2 more transcripts); c.1397G>A, p.Gly466Asp (NM_001407137.1); and 2 more; short protein forms G561D, G586D, G271D, G560D, G622D, G466D, G526D, G562D.
Identifiers: ClinVar variation 921925 (VCV000921925.9), dbSNP rs1559473531, ClinGen allele CA351809821.